The following is an entry in ClinVar:

NM_012293.3(PXDN):c.1838-2A>G

Gene: PXDN (peroxidasin; minus strand). Cytogenetic location: 2p25.3.
Variant type: single nucleotide variant.
Coding change: c.1838-2A>G on transcript NM_012293.3 (MANE Select); the canonical splice acceptor site of the intron before coding-DNA position 1838, A replaced by G.
Molecular consequence: splice acceptor variant.
Genome position (GRCh38, 1-based): chr2:1,654,510, T>C on the plus strand (A>G on the coding strand, the complement: PXDN is on the minus strand). VCF-style: chr2-1654510-T-C. GRCh37 (hg19) VCF-style: chr2-1658282-T-C.
Identifiers: ClinVar variation 2628023 (VCV002628023.2), dbSNP rs2546904328, ClinGen allele CA345711535.

ClinVar aggregate classification (germline): Pathogenic (1 of 4 stars; one submission).

Conditions:
Glaucoma 3A. Also called: Glaucoma 3, primary congenital, A. Identifiers: Orphanet 98976, Orphanet 98977, MedGen C1856439, MONDO:0009277, OMIM 231300.

Submission:

DBGen Ocular Genomics
Classification: Pathogenic for Glaucoma 3A. Last evaluated: 2023-01-01. Review status: criteria provided, single submitter. Criteria: ACMG Guidelines, 2015. Collection method: clinical testing. Allele origin: unknown. Inheritance: Autosomal recessive inheritance. Affected: yes.
Comment: Class 5 ACMG Guidelines, 2015 (PMID:25741868)